The following is an entry in ClinVar:

NM_001042492.3(NF1):c.6820-6_6820-2delinsCAAAC

Gene: NF1 (neurofibromin 1; plus strand). Cytogenetic location: 17q11.2.
Variant type: Indel.
Coding change: c.6820-6_6820-2delinsCAAAC on transcript NM_001042492.3 (MANE Select); 6 bases into the intron before coding-DNA position 6820 through the canonical splice acceptor site of the intron before coding-DNA position 6820, TAAAA replaced by CAAAC.
Molecular consequence: splice acceptor variant.
Genome position (GRCh38, 1-based): chr17:31,338,698-31,338,702, TAAAA replaced by CAAAC. VCF-style: chr17-31338698-TAAAA-CAAAC. GRCh37 (hg19) VCF-style: chr17-29665716-TAAAA-CAAAC.
Other names: c.6757-6_6757-2delinsCAAAC (NM_000267.4).
Identifiers: ClinVar variation 5042208 (VCV005042208.1).

ClinVar aggregate classification (germline): Likely pathogenic (1 of 4 stars; one submission).

Conditions:
Neurofibromatosis, type 1 (NF1). Also called: VON RECKLINGHAUSEN DISEASE; NEUROFIBROMATOSIS, TYPE I, SOMATIC; Peripheral type neurofibromatosis; Neurofibromatosis, type I. Identifiers: Orphanet 636, MedGen C0027831, MONDO:0018975, OMIM 162200. Disease mechanism: loss of function.

Submission:

Myriad Genetics, Inc.
Classification: Likely pathogenic for Neurofibromatosis, type 1. Last evaluated: 2026-07-10. Review status: criteria provided, single submitter. Criteria: Myriad Autosomal Dominant, Autosomal Recessive and X-Linked Classification Criteria (2023). Collection method: clinical testing. Allele origin: unknown.
Comment: This variant is considered likely pathogenic. This variant occurs within a consensus splice junction and is predicted to result in abnormal mRNA splicing of either an out-of-frame exon or an in-frame exon necessary for protein stability and/or normal function.